The following is an entry in ClinVar:

NM_024513.4(FYCO1):c.1206G>A (p.Glu402=)

Gene: FYCO1 (FYVE and coiled-coil domain autophagy adaptor 1; minus strand). Cytogenetic location: 3p21.31.
Variant type: single nucleotide variant.
Coding change: c.1206G>A on transcript NM_024513.4 (MANE Select); coding-DNA position 1206, G replaced by A.
Protein change: p.Glu402=; no amino-acid change (glutamic acid 402 retained).
Molecular consequence: synonymous variant.
Genome position (GRCh38, 1-based): chr3:45,968,128, C>T on the plus strand (G>A on the coding strand, the complement: FYCO1 is on the minus strand). VCF-style: chr3-45968128-C-T. GRCh37 (hg19) VCF-style: chr3-46009620-C-T.
Identifiers: ClinVar variation 261718 (VCV000261718.16), dbSNP rs34147726, ClinGen allele CA2353294.
Genomic context (GRCh38, chr3:45,968,128, plus strand): 5'-TCTGTTGACCTCCTCGACCTTGGTTCTCTCCCTTTCTAGGGCTTGAAGCTTCTCCCCTAG[C>T]TCCTGCATCTCCTGGGCCGCATCACTGGGAATAGGTTCTTGCCGGCCCTTTGTGTCTGAT-3'
Protein context (NP_078789.2, residues 392-412): IPSDAAQEMQ[Glu402=]LGEKLQALER

ClinVar aggregate classification (germline): Benign. Review status: criteria provided, multiple submitters, no conflicts (2 of 4 stars). 5 submissions from 5 submitters: Benign (5). Last evaluated 2026-01-25.

Conditions:
Cataract 18 (CATC2). Also called: CATARACT 18, AUTOSOMAL RECESSIVE. Identifiers: Orphanet 91492, Orphanet 98991, Orphanet 98992, Orphanet 98995, MedGen C1864908, MONDO:0012395, OMIM 610019.

Allele frequency attached by ClinVar (database versions not stated): gnomAD exomes 0.00813 and 0.02232; ExAC 0.02809; gnomAD 0.08929 and 0.09577; 1000 Genomes Project 0.09764; TOPMed 0.10221; ESP Exome Variant Server 0.10311; 1000 Genomes Project 30x 0.10681.
gnomAD v4.1: 25,939 of 1,614,100 alleles (1.6%); highest among the groups gnomAD compares: African/African-American, 31%; 3,841 homozygotes.

Submissions (5):

Labcorp Genetics (formerly Invitae), Labcorp
Classification: Benign for Cataract 18. Last evaluated: 2026-01-25. Review status: criteria provided, single submitter. Criteria: Invitae Variant Classification Sherloc (09022015). Collection method: clinical testing. Allele origin: germline.

GeneDx
Classification: Benign. Last evaluated: 2018-05-31. Review status: criteria provided, single submitter. Criteria: GeneDx Variant Classification (06012015). Collection method: clinical testing. Allele origin: germline. Affected: yes.
Comment: This variant is considered likely benign or benign based on one or more of the following criteria: it is a conservative change, it occurs at a poorly conserved position in the protein, it is predicted to be benign by multiple in silico algorithms, and/or has population frequency not consistent with disease.

Illumina Laboratory Services, Illumina
Classification: Benign for Cataract 18. Last evaluated: 2018-01-12. Review status: criteria provided, single submitter. Criteria: ICSL Variant Classification Criteria 13 December 2019. Collection method: clinical testing. Allele origin: germline.
Comment: This variant was observed in the ICSL laboratory as part of a predisposition screen in an ostensibly healthy population. It had not been previously curated by ICSL or reported in the Human Gene Mutation Database (HGMD: prior to June 1st, 2018), and was therefore a candidate for classification through an automated scoring system. Utilizing variant allele frequency, disease prevalence and penetrance estimates, and inheritance mode, an automated score was calculated to assess if this variant is too frequent to cause the disease. Based on the score and internal cut-off values, a variant classified as benign is not then subjected to further curation. The score for this variant resulted in a classification of benign for this disease.

Breakthrough Genomics
Classification: Benign. Review status: criteria provided, single submitter. Criteria: ACMG Guidelines, 2015. Collection method: not provided. Allele origin: germline. Inheritance: Autosomal recessive inheritance. Affected: yes.

PreventionGenetics, part of Exact Sciences
Classification: Benign. Review status: criteria provided, single submitter. Criteria: ACMG Guidelines, 2015. Collection method: clinical testing. Allele origin: germline.